The following is an entry in ClinVar:

ClinVar aggregate classification (germline): Pathogenic (1 of 4 stars; one submission).

Conditions:
Duchenne muscular dystrophy (DMD). Also called: MUSCULAR DYSTROPHY, PSEUDOHYPERTROPHIC PROGRESSIVE, DUCHENNE TYPE; Duchenne Muscular Dystrophy (DMD). Identifiers: Orphanet 98896, MedGen C0013264, MONDO:0010679, OMIM 310200.

Submission:

Labcorp Genetics (formerly Invitae), Labcorp
Classification: Pathogenic for Duchenne muscular dystrophy. Last evaluated: 2023-12-12. Review status: criteria provided, single submitter. Criteria: Invitae Variant Classification Sherloc (09022015). Collection method: clinical testing. Allele origin: unknown.
Comment: This variant results in a copy number gain of the genomic region encompassing exon(s) 50-55 of the DMD gene. While the exact position of this variant cannot be determined from the data, sub-genic copy number gains are generally in tandem (PMID: 25640679). This variant is predicted to be in-frame, and likely preserves the integrity of the reading frame. A similar copy number variant has been observed in individual(s) with Becker or Duchenne muscular dystrophy (PMID: 12111668, 16917894; Invitae). In at least one individual the variant was observed to be de novo. For these reasons, this variant has been classified as Pathogenic.

Literature cited by the submitters: PubMed 25640679; PubMed 12111668; PubMed 16917894.

NC_000023.10:g.(?_31613687)_(31838220_?)dup

Gene: DMD (dystrophin; minus strand). Cytogenetic location: Xp21.1.
Variant type: Duplication.
Identifiers: ClinVar variation 3243209 (VCV003243209.1).